The following is an entry in ClinVar:

NM_001163435.3(TBCK):c.1999C>T (p.Arg667Trp)

Gene: TBCK (TBC1 domain containing kinase; minus strand). Cytogenetic location: 4q24.
Variant type: single nucleotide variant.
Coding change: c.1999C>T on transcript NM_001163435.3 (MANE Select); coding-DNA position 1999, C replaced by T.
Protein change: p.Arg667Trp; replaces arginine 667 with tryptophan.
Molecular consequence: missense variant.
Genome position (GRCh38, 1-based): chr4:106,193,669, G>A on the plus strand (C>T on the coding strand, the complement: TBCK is on the minus strand). VCF-style: chr4-106193669-G-A. GRCh37 (hg19) VCF-style: chr4-107114826-G-A.
Other names: c.1999C>T, p.Arg667Trp (NM_001163436.4); c.1882C>T, p.Arg628Trp (NM_001163437.3); c.1483C>T, p.Arg495Trp (NM_001290768.2); c.1810C>T, p.Arg604Trp (NM_033115.5); short protein forms R495W, R604W, R628W, R667W.
Identifiers: ClinVar variation 985889 (VCV000985889.6), dbSNP rs199827883, ClinGen allele CA3034836.

ClinVar aggregate classification (germline): Uncertain significance. Review status: criteria provided, multiple submitters, no conflicts (2 of 4 stars). 2 submissions from 2 submitters: Uncertain significance (2). Last evaluated 2023-12-04.

Conditions:
Inborn genetic diseases. Identifiers: MedGen C0950123, MeSH D030342.

Allele frequency attached by ClinVar (database versions not stated): gnomAD exomes 0.00002; ExAC 0.00002; TOPMed 0.00006; gnomAD 0.00004.
gnomAD v4.1: 15 of 1,613,256 alleles (0.00093%); highest among the groups gnomAD compares: African/African-American, 0.0067%; no homozygotes.

Submissions (2):

Labcorp Genetics (formerly Invitae), Labcorp
Classification: Uncertain significance. Last evaluated: 2023-12-04. Review status: criteria provided, single submitter. Criteria: Invitae Variant Classification Sherloc (09022015). Collection method: clinical testing. Allele origin: germline.
Comment: This sequence change replaces arginine, which is basic and polar, with tryptophan, which is neutral and slightly polar, at codon 667 of the TBCK protein (p.Arg667Trp). This variant is present in population databases (rs199827883, gnomAD 0.02%). This variant has not been reported in the literature in individuals affected with TBCK-related conditions. ClinVar contains an entry for this variant (Variation ID: 985889). Advanced modeling of protein sequence and biophysical properties (such as structural, functional, and spatial information, amino acid conservation, physicochemical variation, residue mobility, and thermodynamic stability) performed at Invitae indicates that this missense variant is expected to disrupt TBCK protein function with a positive predictive value of 80%. In summary, the available evidence is currently insufficient to determine the role of this variant in disease. Therefore, it has been classified as a Variant of Uncertain Significance.

Ambry Genetics
Classification: Uncertain significance for Inborn genetic diseases. Last evaluated: 2019-05-08. Review status: criteria provided, single submitter. Criteria: Ambry exome assertion method (8-5-2015). Collection method: clinical testing. Allele origin: germline. Affected: yes. Observed: 1 variant allele.